The following is an entry in ClinVar:

NM_000535.7(PMS2):c.789G>C (p.Leu263=)

Gene: PMS2 (PMS1 homolog 2, mismatch repair system component; minus strand). Cytogenetic location: 7p22.1.
Variant type: single nucleotide variant.
Coding change: c.789G>C on transcript NM_000535.7 (MANE Select); coding-DNA position 789, G replaced by C.
Protein change: p.Leu263=; no amino-acid change (leucine 263 retained).
Molecular consequence: synonymous variant. On other transcripts: 5 prime UTR variant (2), non-coding transcript variant (1), intron variant (3).
Genome position (GRCh38, 1-based): chr7:5,997,340, C>G on the plus strand (G>C on the coding strand, the complement: PMS2 is on the minus strand). VCF-style: chr7-5997340-C-G. GRCh37 (hg19) VCF-style: chr7-6036971-C-G.
Other names: c.384G>C, p.Leu128= (NM_001018040.1, NM_001322003.2, NM_001322004.2 and 20 more transcripts); c.789G>C, p.Leu263= (NM_001322006.2, NM_001322014.2, NM_001406870.1 and 3 more transcripts); c.471G>C, p.Leu157= (NM_001322007.2, NM_001322008.2, NM_001406876.1 and 4 more transcripts); c.-145G>C (NM_001322011.2, NM_001322012.2); c.216G>C, p.Leu72= (NM_001322013.2, NM_001406909.1); c.480G>C, p.Leu160= (NM_001322015.2, NM_001406875.1, NM_001406877.1 and 6 more transcripts); c.975G>C, p.Leu325= (NM_001406866.1); c.813G>C, p.Leu271= (NM_001406868.1); and 7 more.
Identifiers: ClinVar variation 1804691 (VCV001804691.2), dbSNP rs755394319, ClinGen allele CA453646103.

ClinVar aggregate classification (germline): Benign/Likely benign. Review status: criteria provided, multiple submitters, no conflicts (2 of 4 stars). 2 submissions from 2 submitters: Benign (1); Likely benign (1). Last evaluated 2025-01-28.

Conditions:
Lynch syndrome 4 (LYNCH4). Also called: Colorectal cancer, hereditary nonpolyposis, type 4; Hereditary non-polyposis colorectal cancer, type 4. Identifiers: Orphanet 144, MedGen C1838333, MONDO:0013699, OMIM 614337. Disease mechanism: loss of function.

Submissions (2):

Myriad Genetics, Inc.
Classification: Benign for Lynch syndrome 4. Last evaluated: 2025-01-28. Review status: criteria provided, single submitter. Criteria: Myriad Autosomal Dominant, Autosomal Recessive and X-Linked Classification Criteria (2023). Collection method: clinical testing. Allele origin: unknown.
Comment: This variant is considered benign. This variant is a silent/synonymous amino acid change and it is not expected to impact splicing.

Women's Health and Genetics/Laboratory Corporation of America, LabCorp
Classification: Likely benign. Last evaluated: 2022-11-25. Review status: criteria provided, single submitter. Criteria: LabCorp Variant Classification Summary - May 2015. Collection method: clinical testing. Allele origin: germline.
Comment: Variant summary: PMS2 c.789G>C alters a conserved nucleotide resulting in a synonymous change. 4/4 computational tools predict no significant impact on normal splicing. However, these predictions have yet to be confirmed by functional studies. The variant was absent in 250316 control chromosomes. The available data on variant occurrences in the general population are insufficient to allow any conclusion about variant significance. To our knowledge, no occurrence of c.789G>C in individuals affected with Lynch Syndrome and no experimental evidence demonstrating its impact on protein function have been reported. Seven clinical diagnostic laboratories have submitted clinical-significance assessments for this variant to ClinVar after 2014 without evidence for independent evaluation. All laboratories classified the variant as likely benign. Based on the evidence outlined above, the variant was classified as likely benign.